The following is an entry in ClinVar:

NM_001379200.1(TBX1):c.1202_1203delinsTT (p.Arg401Leu)

Gene: TBX1 (T-box transcription factor 1; plus strand). Cytogenetic location: 22q11.21.
Variant type: Indel.
Coding change: c.1202_1203delinsTT on transcript NM_001379200.1 (MANE Select); coding-DNA positions 1202 to 1203, GG replaced by TT.
Protein change: p.Arg401Leu; replaces arginine 401 with leucine.
Molecular consequence: missense variant. On other transcripts: intron variant (2).
Genome position (GRCh38, 1-based): chr22:19,766,554-19,766,555, GG replaced by TT. VCF-style: chr22-19766554-GG-TT. GRCh37 (hg19) VCF-style: chr22-19754077-GG-TT.
Other names: c.1175_1176delinsTT, p.Arg392Leu (NM_080647.1); c.1009+552_1009+553delinsTT (NM_005992.1, NM_080646.2); short protein forms R392L, R401L.
Identifiers: ClinVar variation 4085987 (VCV004085987.8).

ClinVar aggregate classification (germline): Uncertain significance (1 of 4 stars; one submission).

Submission:

CeGaT Center for Human Genetics Tuebingen
Classification: Uncertain significance. Last evaluated: 2025-06-01. Review status: criteria provided, single submitter. Criteria: CeGaT Center For Human Genetics Tuebingen Variant Classification Criteria Version 2. Collection method: clinical testing. Allele origin: germline. Affected: yes. Observed: 1 variant allele.
Comment: TBX1: PM2, PP3